The following is an entry in ClinVar:

NM_024719.4(GRTP1):c.466-1715C>T

Gene: GRTP1 (growth hormone regulated TBC protein 1; minus strand). Cytogenetic location: 13q34.
Variant type: single nucleotide variant.
Coding change: c.466-1715C>T on transcript NM_024719.4 (MANE Select); 1715 bases into the intron before coding-DNA position 466, C replaced by T.
Molecular consequence: intron variant.
Genome position (GRCh38, 1-based): chr13:113,346,674, G>A on the plus strand (C>T on the coding strand, the complement: GRTP1 is on the minus strand). VCF-style: chr13-113346674-G-A. GRCh37 (hg19) VCF-style: chr13-114000989-G-A.
Other names: c.466-1715C>T (NM_001286733.1, NM_001286732.2); c.232-1715C>T (NM_001411029.1).
Identifiers: ClinVar variation 2644000 (VCV002644000.24), dbSNP rs1193412846, ClinGen allele CA612715762.

ClinVar aggregate classification (germline): Likely benign (1 of 4 stars; one submission).

Allele frequency attached by ClinVar (database versions not stated): gnomAD 0.42903.
gnomAD v4.1: 133 of 316 alleles (42%); highest among the groups gnomAD compares: African/African-American, 61%; 65 homozygotes.

Submission:

CeGaT Center for Human Genetics Tuebingen
Classification: Likely benign. Last evaluated: 2023-01-01. Review status: criteria provided, single submitter. Criteria: CeGaT Center For Human Genetics Tuebingen Variant Classification Criteria Version 2. Collection method: clinical testing. Allele origin: germline. Affected: yes. Observed: 2 variant alleles.
Comment: GRTP1: BS2